The following is an entry in ClinVar:

ClinVar aggregate classification (germline): Uncertain significance (1 of 4 stars; one submission).

Allele frequency attached by ClinVar (database versions not stated): gnomAD exomes 0.00001.

Submission:

GeneDx
Classification: Uncertain significance. Last evaluated: 2022-10-18. Review status: criteria provided, single submitter. Criteria: GeneDx Variant Classification Process June 2021. Collection method: clinical testing. Allele origin: germline. Affected: yes.
Comment: Not observed at significant frequency in large population cohorts (gnomAD); In silico analysis supports a deleterious effect on splicing; Has not been previously published as pathogenic or benign to our knowledge

NM_001270.4(CHD1):c.587+5_587+6del

Gene: CHD1 (chromodomain helicase DNA binding protein 1; minus strand). Cytogenetic location: 5q21.1.
Variant type: Deletion.
Coding change: c.587+5_587+6del on transcript NM_001270.4 (MANE Select); bases 5 to 6 of the intron after coding-DNA position 587, 2 bases deleted (GG; older notation c.587+5_587+6delGG).
Molecular consequence: intron variant.
Genome position (GRCh38, 1-based): chr5:98,901,180-98,901,181, CC deleted on the plus strand (GG on the coding strand, the reverse complement: CHD1 is on the minus strand). VCF-style (leftmost placement, unchanged base first): chr5-98901179-ACC-A. GRCh37 (hg19) VCF-style: chr5-98236883-ACC-A.
Other names: c.587+5_587+6del (NM_001376194.2, NM_001364113.3).
Identifiers: ClinVar variation 2499848 (VCV002499848.1), dbSNP rs2479718601, ClinGen allele CA2580073825.